The following is an entry in ClinVar:

ClinVar aggregate classification (germline): Uncertain significance. Review status: criteria provided, multiple submitters, no conflicts (2 of 4 stars). 2 submissions from 2 submitters: Uncertain significance (2). Last evaluated 2025-11-28.

gnomAD v4.1: 31 of 1,613,976 alleles (0.0019%); highest among the groups gnomAD compares: African/African-American, 0.0027%; no homozygotes.

Submissions (2):

Labcorp Genetics (formerly Invitae), Labcorp
Classification: Uncertain significance. Last evaluated: 2025-11-28. Review status: criteria provided, single submitter. Criteria: Invitae Variant Classification Sherloc (09022015). Collection method: clinical testing. Allele origin: germline.
Comment: This sequence change replaces leucine, which is neutral and non-polar, with proline, which is neutral and non-polar, at codon 30 of the TET2 protein (p.Leu30Pro). This variant is present in population databases (rs767145286, gnomAD 0.005%). This variant has not been reported in the literature in individuals affected with TET2-related conditions. ClinVar contains an entry for this variant (Variation ID: 3805917). An algorithm developed to predict the effect of missense changes on protein structure and function (PolyPhen-2) suggests that this variant is likely to be disruptive. In summary, the available evidence is currently insufficient to determine the role of this variant in disease. Therefore, it has been classified as a Variant of Uncertain Significance.

Ambry Genetics
Classification: Uncertain significance. Last evaluated: 2024-12-31. Review status: criteria provided, single submitter. Criteria: Ambry Variant Classification Scheme 2023. Collection method: clinical testing. Allele origin: germline.
Comment: The p.L30P variant (also known as c.89T>C), located in coding exon 1 of the TET2 gene, results from a T to C substitution at nucleotide position 89. The leucine at codon 30 is replaced by proline, an amino acid with similar properties. This amino acid position is conserved. In addition, the in silico prediction for this alteration is inconclusive. Based on the available evidence, the clinical significance of this variant remains unclear.

NM_001127208.3(TET2):c.89T>C (p.Leu30Pro)

Genes: TET2 (tet methylcytosine dioxygenase 2; plus strand), TET2-AS1 (TET2 antisense RNA 1; minus strand). Cytogenetic location: 4q24.
Variant type: single nucleotide variant.
Coding change: c.89T>C on transcript NM_001127208.3 (MANE Select); coding-DNA position 89, T replaced by C.
Protein change: p.Leu30Pro; replaces leucine 30 with proline.
Molecular consequence: missense variant.
Genome position (GRCh38, 1-based): chr4:105,234,031, T>C. VCF-style: chr4-105234031-T-C. GRCh37 (hg19) VCF-style: chr4-106155188-T-C.
Other names: c.89T>C, p.Leu30Pro (NM_017628.4); short protein forms L30P.
Identifiers: ClinVar variation 3805917 (VCV003805917.2).